The following is an entry in ClinVar:

NC_000020.11:g.(?_63431320)_(63433923_?)del

Gene: KCNQ2 (potassium voltage-gated channel subfamily Q member 2; minus strand). Cytogenetic location: 20q13.33.
Variant type: Deletion.
Identifiers: ClinVar variation 530656 (VCV000530656.4).

ClinVar aggregate classification (germline): Pathogenic (1 of 4 stars; one submission).

Conditions:
Developmental and epileptic encephalopathy. Identifiers: MedGen C5779964, MONDO:0100620.

Submission:

Labcorp Genetics (formerly Invitae), Labcorp
Classification: Pathogenic for Early-infantile DEE. Last evaluated: 2018-01-04. Review status: criteria provided, single submitter. Criteria: Invitae Variant Classification Sherloc (09022015). Collection method: clinical testing. Allele origin: germline.
Comment: For these reasons, this variant has been classified as Pathogenic. Loss-of-function variants in KCNQ2 are known to be pathogenic (PMID: 14534157). Deletion of exon 8 and the first 17 nucleotides of exon 9 has not been reported in the literature in individuals with KCNQ2-related disease. This variant is a gross deletion of the genomic region encompassing all of exon 8 and the first 17 nucleotides of exon 9 of the KCNQ2 gene including the intron 8-exon 9 boundary (c.1023+1765_1135del). This is expected to create a premature translational stop signal and result in an absent or disrupted protein product.

Literature cited by the submitters: PubMed 14534157.